The following is an entry in ClinVar:

NM_005751.5(AKAP9):c.2473C>T (p.Leu825Phe)

Gene: AKAP9 (A-kinase anchoring protein 9; plus strand). Cytogenetic location: 7q21.2.
Variant type: single nucleotide variant.
Coding change: c.2473C>T on transcript NM_005751.5 (MANE Select); coding-DNA position 2473, C replaced by T.
Protein change: p.Leu825Phe; replaces leucine 825 with phenylalanine.
Molecular consequence: missense variant.
Genome position (GRCh38, 1-based): chr7:92,002,390, C>T. VCF-style: chr7-92002390-C-T. GRCh37 (hg19) VCF-style: chr7-91631704-C-T.
Other names: c.2473C>T, p.Leu825Phe (NM_147185.3); short protein forms L825F.
Identifiers: ClinVar variation 1791807 (VCV001791807.3), dbSNP rs375189777, ClinGen allele CA4336144.

ClinVar aggregate classification (germline): Uncertain significance (1 of 4 stars; one submission).

Conditions:
Cardiovascular phenotype. Identifiers: MedGen CN230736.

Allele frequency attached by ClinVar (database versions not stated): gnomAD 0.00001; ESP Exome Variant Server 0.00008.
gnomAD v4.1: 6 of 1,610,556 alleles (0.00037%); highest among the groups gnomAD compares: Non-Finnish European, 0.00051%; no homozygotes.

Submission:

Ambry Genetics
Classification: Uncertain significance for Cardiovascular phenotype. Last evaluated: 2025-09-25. Review status: criteria provided, single submitter. Criteria: Ambry Variant Classification Scheme 2023. Collection method: clinical testing. Allele origin: germline.
Comment: The p.L825F variant (also known as c.2473C>T), located in coding exon 8 of the AKAP9 gene, results from a C to T substitution at nucleotide position 2473. The leucine at codon 825 is replaced by phenylalanine, an amino acid with highly similar properties. This amino acid position is highly conserved in available vertebrate species. In addition, this alteration is predicted to be tolerated by in silico analysis. Since supporting evidence is limited at this time, the clinical significance of this alteration remains unclear.